The following is an entry in ClinVar:

ClinVar aggregate classification (germline): Likely benign. Review status: criteria provided, single submitter (1 of 4 stars). 2 submissions from 2 submitters: Likely benign (1). 1 of the submissions does not count toward it. Last evaluated 2024-11-25.

Conditions:
GRK1-related disorder. Also called: GRK1-related condition.

Allele frequency attached by ClinVar (database versions not stated): 1000 Genomes Project 30x 0.00203; 1000 Genomes Project 0.00220.
gnomAD v4.1: 561 of 1,537,058 alleles (0.036%); highest among the groups gnomAD compares: East Asian, 0.78%; 3 homozygotes.

Submissions (2):

Blueprint Genetics
Classification: Likely benign. Last evaluated: 2024-11-25. Review status: criteria provided, single submitter. Criteria: ACMG Guidelines, 2015. Collection method: clinical testing. Allele origin: germline.

PreventionGenetics, part of Exact Sciences
Classification: Likely benign for GRK1-related condition. Last evaluated: 2019-11-15. Review status: no assertion criteria provided. Collection method: clinical testing. Allele origin: germline. Not counted in ClinVar's aggregate classification.
Comment: This variant is classified as likely benign based on ACMG/AMP sequence variant interpretation guidelines (Richards et al. 2015 PMID: 25741868, with internal and published modifications).

NM_002929.3(GRK1):c.1098C>G (p.Gly366=)

Gene: GRK1 (G protein-coupled receptor kinase 1; plus strand). Cytogenetic location: 13q34.
Variant type: single nucleotide variant.
Coding change: c.1098C>G on transcript NM_002929.3 (MANE Select); coding-DNA position 1098, C replaced by G.
Protein change: p.Gly366=; no amino-acid change (glycine 366 retained).
Molecular consequence: synonymous variant.
Genome position (GRCh38, 1-based): chr13:113,731,247, C>G. VCF-style: chr13-113731247-C-G. GRCh37 (hg19) VCF-style: chr13-114434220-C-G.
Identifiers: ClinVar variation 3053309 (VCV003053309.3), dbSNP rs145195020, ClinGen allele CA7066307.